The following is an entry in ClinVar:

ClinVar aggregate classification (germline): Uncertain significance (1 of 4 stars; one submission).

Allele frequency attached by ClinVar (database versions not stated): TOPMed below 0.00001.
gnomAD v4.1: 22 of 1,614,168 alleles (0.0014%); highest among the groups gnomAD compares: Non-Finnish European, 0.0019%; no homozygotes.

Submission:

Labcorp Genetics (formerly Invitae), Labcorp
Classification: Uncertain significance. Last evaluated: 2022-11-15. Review status: criteria provided, single submitter. Criteria: Invitae Variant Classification Sherloc (09022015). Collection method: clinical testing. Allele origin: germline.
Comment: In summary, the available evidence is currently insufficient to determine the role of this variant in disease. Therefore, it has been classified as a Variant of Uncertain Significance. Advanced modeling of protein sequence and biophysical properties (such as structural, functional, and spatial information, amino acid conservation, physicochemical variation, residue mobility, and thermodynamic stability) performed at Invitae indicates that this missense variant is not expected to disrupt TGM6 protein function. This variant has not been reported in the literature in individuals affected with TGM6-related conditions. This variant is not present in population databases (gnomAD no frequency). This sequence change replaces isoleucine, which is neutral and non-polar, with valine, which is neutral and non-polar, at codon 582 of the TGM6 protein (p.Ile582Val).

NM_198994.3(TGM6):c.1744A>G (p.Ile582Val)

Gene: TGM6 (transglutaminase 6; plus strand). Cytogenetic location: 20p13.
Variant type: single nucleotide variant.
Coding change: c.1744A>G on transcript NM_198994.3 (MANE Select); coding-DNA position 1744, A replaced by G.
Protein change: p.Ile582Val; replaces isoleucine 582 with valine.
Molecular consequence: missense variant.
Genome position (GRCh38, 1-based): chr20:2,430,511, A>G. VCF-style: chr20-2430511-A-G. GRCh37 (hg19) VCF-style: chr20-2411157-A-G.
Other names: c.1744A>G, p.Ile582Val (NM_001254734.2); short protein forms I582V.
Identifiers: ClinVar variation 2113913 (VCV002113913.4), dbSNP rs759450326, ClinGen allele CA310860024.